The following is an entry in ClinVar:

ClinVar aggregate classification (germline): Uncertain significance (1 of 4 stars; one submission).

Conditions:
Cataract 18 (CATC2). Also called: CATARACT 18, AUTOSOMAL RECESSIVE. Identifiers: Orphanet 91492, Orphanet 98991, Orphanet 98992, Orphanet 98995, MedGen C1864908, MONDO:0012395, OMIM 610019.

gnomAD v4.1: 4 of 1,614,016 alleles (0.00025%); highest among the groups gnomAD compares: South Asian, 0.0044%; no homozygotes.

Submission:

Labcorp Genetics (formerly Invitae), Labcorp
Classification: Uncertain significance for Cataract 18. Last evaluated: 2025-02-06. Review status: criteria provided, single submitter. Criteria: Invitae Variant Classification Sherloc (09022015). Collection method: clinical testing. Allele origin: germline.
Comment: This sequence change replaces aspartic acid, which is acidic and polar, with glycine, which is neutral and non-polar, at codon 1055 of the FYCO1 protein (p.Asp1055Gly). This variant is present in population databases (no rsID available, gnomAD 0.01%). This variant has not been reported in the literature in individuals affected with FYCO1-related conditions. Invitae Evidence Modeling of protein sequence and biophysical properties (such as structural, functional, and spatial information, amino acid conservation, physicochemical variation, residue mobility, and thermodynamic stability) indicates that this missense variant is not expected to disrupt FYCO1 protein function with a negative predictive value of 80%. In summary, the available evidence is currently insufficient to determine the role of this variant in disease. Therefore, it has been classified as a Variant of Uncertain Significance.

NM_024513.4(FYCO1):c.3164A>G (p.Asp1055Gly)

Gene: FYCO1 (FYVE and coiled-coil domain autophagy adaptor 1; minus strand). Cytogenetic location: 3p21.31.
Variant type: single nucleotide variant.
Coding change: c.3164A>G on transcript NM_024513.4 (MANE Select); coding-DNA position 3164, A replaced by G.
Protein change: p.Asp1055Gly; replaces aspartic acid 1055 with glycine.
Molecular consequence: missense variant. On other transcripts: non-coding transcript variant (1).
Genome position (GRCh38, 1-based): chr3:45,964,441, T>C on the plus strand (A>G on the coding strand, the complement: FYCO1 is on the minus strand). VCF-style: chr3-45964441-T-C. GRCh37 (hg19) VCF-style: chr3-46005933-T-C.
Other names: c.3164A>G, p.Asp1055Gly (NM_001386421.1, NM_001386422.1, NM_001386423.1 and 4 more transcripts); c.3044A>G, p.Asp1015Gly (NM_001386426.1); c.3020A>G, p.Asp1007Gly (NM_001386427.1); c.2564A>G, p.Asp855Gly (NM_001386430.1); short protein forms D1055G, D1007G, D1015G, D855G.
Identifiers: ClinVar variation 3715102 (VCV003715102.2).